The following is an entry in ClinVar:

ClinVar aggregate classification (germline): Pathogenic (1 of 4 stars; one submission).

Conditions:
Trichohepatoneurodevelopmental syndrome (THNS). Identifiers: MedGen C4748898, MONDO:0032645, OMIM 618268.

Submission:

Laboratory of Human Genetics, Universidade de São Paulo
Classification: Pathogenic for Trichohepatoneurodevelopmental syndrome. Last evaluated: 2022-05-13. Review status: criteria provided, single submitter. Criteria: ACMG Guidelines, 2015. Collection method: research. Allele origin: biparental. Affected: yes. Observed: 1 homozygote.
Comment: This variant meets our criteria to be classified as pathogenic based upon segregation studies, absence from controls, and in-silico evaluation of pathogenicity.

NM_020198.3(CCDC47):c.563del (p.Asn188fs)

Gene: CCDC47 (coiled-coil domain containing 47; minus strand). Cytogenetic location: 17q23.3.
Variant type: Deletion.
Coding change: c.563del on transcript NM_020198.3 (MANE Select); coding-DNA position 563, one base deleted (A; older notation c.563delA).
Protein change: p.Asn188fs; shifts the reading frame from asparagine 188.
Molecular consequence: frameshift variant.
Genome position (GRCh38, 1-based): chr17:63,761,336, T deleted on the plus strand (A on the coding strand, the reverse complement: CCDC47 is on the minus strand); the first of 2 consecutive T bases (chr17:63,761,336-63,761,337); deleting either gives the same sequence. VCF-style (leftmost placement, unchanged base first): chr17-63761335-GT-G. GRCh37 (hg19) VCF-style: chr17-61838695-GT-G.
Other names: c.563delA (NM_020198.3); short protein forms N188fs.
Identifiers: ClinVar variation 1697227 (VCV001697227.2), dbSNP rs1319907329, ClinGen allele CA774006194.